The following is an entry in ClinVar:

NM_203447.4(DOCK8):c.2275G>A (p.Val759Met)

Gene: DOCK8 (dedicator of cytokinesis 8; plus strand). Cytogenetic location: 9p24.3.
Variant type: single nucleotide variant.
Coding change: c.2275G>A on transcript NM_203447.4 (MANE Select); coding-DNA position 2275, G replaced by A.
Protein change: p.Val759Met; replaces valine 759 with methionine.
Molecular consequence: missense variant.
Genome position (GRCh38, 1-based): chr9:377,046, G>A. VCF-style: chr9-377046-G-A. GRCh37 (hg19) VCF-style: chr9-377046-G-A.
Other names: c.2071G>A, p.Val691Met (NM_001190458.2, NM_001193536.2); short protein forms V759M, V691M.
Identifiers: ClinVar variation 366864 (VCV000366864.39), dbSNP rs148693111, ClinGen allele CA4958155.

ClinVar aggregate classification (germline): Conflicting classifications of pathogenicity. Review status: criteria provided, conflicting classifications (1 of 4 stars). 6 submissions from 6 submitters: Uncertain significance (4); Likely benign (1). 1 of the submissions does not count toward it. Last evaluated 2025-02-16.

Conditions:
Combined immunodeficiency due to DOCK8 deficiency (HIES2). Also called: HYPER-IgE RECURRENT INFECTION SYNDROME 2, AUTOSOMAL RECESSIVE; HIES autosomal recessive; HYPER-IgE SYNDROME 2, AUTOSOMAL RECESSIVE, WITH RECURRENT INFECTIONS; DOCK8 Deficiency; Hyper-IgE recurrent infection syndrome, autosomal recessive. Identifiers: Orphanet 217390, MedGen C4722305, MONDO:0009478, OMIM 243700.
Intellectual disability. Also called: Intellectual functioning disability; Intellectual developmental disorder; intellectual disabilities. Identifiers: MedGen C3714756, MeSH D008607, MONDO:0001071, HP:0001249.

Allele frequency attached by ClinVar (database versions not stated): ESP Exome Variant Server 0.00008; gnomAD 0.00021 and 0.00023; TOPMed 0.00023; ExAC 0.00025; gnomAD exomes 0.00026 and 0.00027.
gnomAD v4.1: 439 of 1,613,718 alleles (0.027%); highest among the groups gnomAD compares: Middle Eastern, 0.082%; 1 homozygote.

Submissions (6):

Laboratory of Genetics, Children's Clinical University Hospital Latvia
Classification: Likely benign. Last evaluated: 2025-02-16. Review status: criteria provided, single submitter. Criteria: ACMG Guidelines, 2015. Collection method: clinical testing. Allele origin: germline. Affected: yes.

Blueprint Genetics
Classification: Uncertain significance. Last evaluated: 2024-11-04. Review status: criteria provided, single submitter. Criteria: ACMG Guidelines, 2015. Collection method: clinical testing. Allele origin: germline.

Labcorp Genetics (formerly Invitae), Labcorp
Classification: Uncertain significance for Combined immunodeficiency due to DOCK8 deficiency. Last evaluated: 2022-08-09. Review status: criteria provided, single submitter. Criteria: Invitae Variant Classification Sherloc (09022015). Collection method: clinical testing. Allele origin: germline.
Comment: This sequence change replaces valine, which is neutral and non-polar, with methionine, which is neutral and non-polar, at codon 759 of the DOCK8 protein (p.Val759Met). This variant is present in population databases (rs148693111, gnomAD 0.04%). This missense change has been observed in individual(s) with common variable immunodeficiency and/or hyper IgE syndrome (PMID: 29867916, 31596517). ClinVar contains an entry for this variant (Variation ID: 366864). Algorithms developed to predict the effect of missense changes on protein structure and function (SIFT, PolyPhen-2, Align-GVGD) all suggest that this variant is likely to be tolerated. In summary, the available evidence is currently insufficient to determine the role of this variant in disease. Therefore, it has been classified as a Variant of Uncertain Significance.

CeGaT Center for Human Genetics Tuebingen
Classification: Uncertain significance. Last evaluated: 2022-04-01. Review status: criteria provided, single submitter. Criteria: CeGaT Center For Human Genetics Tuebingen Variant Classification Criteria Version 2. Collection method: clinical testing. Allele origin: germline. Affected: yes. Observed: 1 variant allele.

Illumina Laboratory Services, Illumina
Classification: Uncertain significance for Combined immunodeficiency due to DOCK8 deficiency. Last evaluated: 2018-01-12. Review status: criteria provided, single submitter. Criteria: ICSL Variant Classification Criteria 13 December 2019. Collection method: clinical testing. Allele origin: germline.

Centre de Biologie Pathologie Génétique, Centre Hospitalier Universitaire de Lille
Classification: Uncertain significance for Intellectual disability. Last evaluated: 2019-01-01. Review status: no assertion criteria provided. Collection method: clinical testing. Allele origin: unknown. Affected: yes. Not counted in ClinVar's aggregate classification.

Literature cited by the submitters: PubMed 29867916 (cited by Labcorp Genetics (formerly Invitae), Labcorp); PubMed 31596517 (cited by Labcorp Genetics (formerly Invitae), Labcorp).